The following is an entry in ClinVar:

ClinVar aggregate classification (germline): Uncertain significance (1 of 4 stars; one submission).

Conditions:
Hereditary insensitivity to pain with anhidrosis (CIPA). Also called: NTRK1 Congenital Insensitivity to Pain with Anhidrosis; FAMILIAL DYSAUTONOMIA, TYPE II; hereditary sensory and autonomic neuropathy type 4; INSENSITIVITY TO PAIN, CONGENITAL, WITH ANHIDROSIS; NEUROPATHY, CONGENITAL SENSORY, WITH ANHIDROSIS; HSAN Type IV. Identifiers: Orphanet 642, MedGen C0020074, MONDO:0009746, OMIM 256800.

Submission:

Labcorp Genetics (formerly Invitae), Labcorp
Classification: Uncertain significance for Hereditary insensitivity to pain with anhidrosis. Last evaluated: 2022-07-06. Review status: criteria provided, single submitter. Criteria: Invitae Variant Classification Sherloc (09022015). Collection method: clinical testing. Allele origin: germline.
Comment: ClinVar contains an entry for this variant (Variation ID: 1505495). This variant has not been reported in the literature in individuals affected with NTRK1-related conditions. This variant is not present in population databases (gnomAD no frequency). This sequence change replaces arginine, which is basic and polar, with serine, which is neutral and polar, at codon 347 of the NTRK1 protein (p.Arg347Ser). In summary, the available evidence is currently insufficient to determine the role of this variant in disease. Therefore, it has been classified as a Variant of Uncertain Significance. Advanced modeling of protein sequence and biophysical properties (such as structural, functional, and spatial information, amino acid conservation, physicochemical variation, residue mobility, and thermodynamic stability) performed at Invitae indicates that this missense variant is expected to disrupt NTRK1 protein function.

NM_002529.4(NTRK1):c.1039C>A (p.Arg347Ser)

Gene: NTRK1 (neurotrophic receptor tyrosine kinase 1; plus strand). Cytogenetic location: 1q23.1.
Variant type: single nucleotide variant.
Coding change: c.1039C>A on transcript NM_002529.4 (MANE Select); coding-DNA position 1039, C replaced by A.
Protein change: p.Arg347Ser; replaces arginine 347 with serine.
Molecular consequence: missense variant.
Genome position (GRCh38, 1-based): chr1:156,873,821, C>A. VCF-style: chr1-156873821-C-A. GRCh37 (hg19) VCF-style: chr1-156843613-C-A.
Other names: c.949C>A, p.Arg317Ser (NM_001007792.1); c.1039C>A, p.Arg347Ser (NM_001012331.2); short protein forms R317S, R347S.
Identifiers: ClinVar variation 1505495 (VCV001505495.6), dbSNP rs561243137, ClinGen allele CA342936055.